The following is an entry in ClinVar:

NM_001655.5(ARCN1):c.1509C>G (p.Phe503Leu)

Gene: ARCN1 (archain 1 coat protein complex I subunit delta; plus strand). Cytogenetic location: 11q23.3.
Variant type: single nucleotide variant.
Coding change: c.1509C>G on transcript NM_001655.5 (MANE Select); coding-DNA position 1509, C replaced by G.
Protein change: p.Phe503Leu; replaces phenylalanine 503 with leucine.
Molecular consequence: missense variant.
Genome position (GRCh38, 1-based): chr11:118,600,687, C>G. VCF-style: chr11-118600687-C-G. GRCh37 (hg19) VCF-style: chr11-118471402-C-G.
Other names: c.1245C>G, p.Phe415Leu (NM_001142281.2); c.1572C>G, p.Phe524Leu (NM_001425073.1); c.1506C>G, p.Phe502Leu (NM_001425074.1); c.1452C>G, p.Phe484Leu (NM_001425075.1); c.1440C>G, p.Phe480Leu (NM_001425076.1); c.1344C>G, p.Phe448Leu (NM_001425077.1); c.*50C>G (NM_001425078.1, NM_001425079.1, NM_001425081.1); c.1065C>G, p.Phe355Leu (NM_001425080.1); short protein forms F355L, F484L, F448L, F480L, F503L, F524L, F415L, F502L.
Identifiers: ClinVar variation 2813006 (VCV002813006.3), dbSNP rs199940295, ClinGen allele CA382821250.

ClinVar aggregate classification (germline): Uncertain significance (1 of 4 stars; one submission).

Allele frequency attached by ClinVar (database versions not stated): TOPMed below 0.00001.
gnomAD v4.1: 1 of 1,611,608 alleles (0.000062%); highest among the groups gnomAD compares: African/African-American, 0.0013%; no homozygotes.

Submission:

Labcorp Genetics (formerly Invitae), Labcorp
Classification: Uncertain significance. Last evaluated: 2023-02-08. Review status: criteria provided, single submitter. Criteria: Invitae Variant Classification Sherloc (09022015). Collection method: clinical testing. Allele origin: germline.
Comment: This variant has not been reported in the literature in individuals affected with ARCN1-related conditions. This variant is not present in population databases (gnomAD no frequency). This sequence change replaces phenylalanine, which is neutral and non-polar, with leucine, which is neutral and non-polar, at codon 503 of the ARCN1 protein (p.Phe503Leu). Algorithms developed to predict the effect of missense changes on protein structure and function (SIFT, PolyPhen-2, Align-GVGD) all suggest that this variant is likely to be tolerated. In summary, the available evidence is currently insufficient to determine the role of this variant in disease. Therefore, it has been classified as a Variant of Uncertain Significance.